The following is an entry in ClinVar:

NM_052867.4(NALCN):c.4665G>A (p.Ala1555=)

Gene: NALCN (sodium leak channel, non-selective; minus strand). Cytogenetic location: 13q32.3.
Variant type: single nucleotide variant.
Coding change: c.4665G>A on transcript NM_052867.4 (MANE Select); coding-DNA position 4665, G replaced by A.
Protein change: p.Ala1555=; no amino-acid change (alanine 1555 retained).
Molecular consequence: synonymous variant.
Genome position (GRCh38, 1-based): chr13:101,062,058, C>T on the plus strand (G>A on the coding strand, the complement: NALCN is on the minus strand). VCF-style: chr13-101062058-C-T. GRCh37 (hg19) VCF-style: chr13-101714410-C-T.
Other names: c.4752G>A, p.Ala1584= (NM_001350748.2); c.4665G>A, p.Ala1555= (NM_001350749.2); c.4578G>A, p.Ala1526= (NM_001350750.2, NM_001350751.2).
Identifiers: ClinVar variation 2582914 (VCV002582914.27), dbSNP rs745411043, ClinGen allele CA7035058.

ClinVar aggregate classification (germline): Likely benign. Review status: criteria provided, multiple submitters, no conflicts (2 of 4 stars). 2 submissions from 2 submitters: Likely benign (2). Last evaluated 2024-08-05.

Allele frequency attached by ClinVar (database versions not stated): ExAC 0.00001; gnomAD 0.00001; TOPMed 0.00002.
gnomAD v4.1: 22 of 1,614,040 alleles (0.0014%); highest among the groups gnomAD compares: South Asian, 0.0055%; 1 homozygote.

Submissions (2):

Labcorp Genetics (formerly Invitae), Labcorp
Classification: Likely benign. Last evaluated: 2024-08-05. Review status: criteria provided, single submitter. Criteria: Invitae Variant Classification Sherloc (09022015). Collection method: clinical testing. Allele origin: germline.

CeGaT Center for Human Genetics Tuebingen
Classification: Likely benign. Last evaluated: 2023-09-01. Review status: criteria provided, single submitter. Criteria: CeGaT Center For Human Genetics Tuebingen Variant Classification Criteria Version 2. Collection method: clinical testing. Allele origin: germline. Affected: yes. Observed: 1 variant allele.
Comment: NALCN: BP4, BP7